The following is an entry in ClinVar:

ClinVar aggregate classification (germline): Uncertain significance (1 of 4 stars; one submission).

gnomAD v4.1: 9 of 1,612,640 alleles (0.00056%); highest among the groups gnomAD compares: South Asian, 0.0099%; no homozygotes.

Submission:

GeneDx
Classification: Uncertain significance. Last evaluated: 2024-12-19. Review status: criteria provided, single submitter. Criteria: GeneDx Variant Classification Process June 2021. Collection method: clinical testing. Allele origin: germline. Affected: yes.
Comment: In silico analysis supports that this missense variant has a deleterious effect on protein structure/function; Has not been previously published as pathogenic or benign to our knowledge

NM_001171613.2(PREPL):c.1848C>G (p.Phe616Leu)

Genes: PREPL (prolyl endopeptidase like; minus strand), SLC3A1 (solute carrier family 3 member 1; plus strand). Cytogenetic location: 2p21.
Variant type: single nucleotide variant.
Coding change: c.1848C>G on transcript NM_001171613.2 (MANE Select); coding-DNA position 1848, C replaced by G.
Protein change: p.Phe616Leu; replaces phenylalanine 616 with leucine.
Molecular consequence: missense variant. On other transcripts: 3 prime UTR variant (1).
Genome position (GRCh38, 1-based): chr2:44,321,425, G>C on the plus strand (C>G on the coding strand, the complement: PREPL is on the minus strand). VCF-style: chr2-44321425-G-C. GRCh37 (hg19) VCF-style: chr2-44548564-G-C.
Other names: c.*786G>C (NM_000341.4); c.1929C>G, p.Phe643Leu (NM_001042385.2); c.1917C>G, p.Phe639Leu (NM_001042386.2); c.2115C>G, p.Phe705Leu (NM_001171603.1, NM_001171606.2, NM_001374275.1 and 2 more transcripts); c.1848C>G, p.Phe616Leu (NM_001171617.1, NM_001374277.1); short protein forms F616L, F639L, F643L, F705L.
Identifiers: ClinVar variation 3906752 (VCV003906752.1).